The following is an entry in ClinVar:

ClinVar aggregate classification (germline): Uncertain significance. Review status: criteria provided, single submitter (1 of 4 stars). 2 submissions from 2 submitters: Uncertain significance (1). 1 of the submissions does not count toward it. Last evaluated 2025-10-22.

Conditions:
Biotinidase deficiency. Also called: BTD deficiency; Late-onset biotin-responsive multiple carboxylase deficiency; Biotin deficiency. Identifiers: Orphanet 79241, MedGen C0220754, MONDO:0009665, OMIM 253260.

Allele frequency attached by ClinVar (database versions not stated): TOPMed below 0.00001.
gnomAD v4.1: 1 of 1,614,034 alleles (0.000062%); highest among the groups gnomAD compares: Non-Finnish European, 0.000085%; no homozygotes.

Submissions (2):

Women's Health and Genetics/Laboratory Corporation of America, LabCorp
Classification: Uncertain significance. Last evaluated: 2025-10-22. Review status: criteria provided, single submitter. Criteria: LabCorp Variant Classification Summary - May 2015. Collection method: clinical testing. Allele origin: germline.
Comment: Variant summary: BTD c.623A>G (p.Asp208Gly) results in a non-conservative amino acid change in the encoded protein sequence. Algorithms developed to predict the effect of missense changes on protein structure and function all suggest that this variant is likely to be disruptive. The variant was absent in 251482 control chromosomes (gnomAD). The available data on variant occurrences in the general population are insufficient to allow any conclusion about variant significance. c.623A>G has been observed in one individual affected with Biotinidase Deficiency (Li_2014). These data do not allow any conclusion about variant significance. To our knowledge, no experimental evidence demonstrating an impact on protein function has been reported. The following publications have been ascertained in the context of this evaluation (PMID: 25144890, 36684547, 24797656). ClinVar contains an entry for this variant (Variation ID: 156002). Based on the evidence outlined above, the variant was classified as uncertain significance.

Molecular Genetics Diagnostic Laboratory, Detroit Medical Center University Laboratories
Classification: Pathogenic for Biotinidase deficiency. Review status: no assertion criteria provided. Collection method: clinical testing. Allele origin: germline. Affected: yes. Observed: 2 variant alleles. Not counted in ClinVar's aggregate classification.

Literature cited by the submitters: PubMed 25144890 (cited by Women's Health and Genetics/Laboratory Corporation of America, LabCorp); PubMed 24797656 (cited by Women's Health and Genetics/Laboratory Corporation of America, LabCorp and Molecular Genetics Diagnostic Laboratory, Detroit Medical Center University Laboratories); PubMed 36684547 (cited by Women's Health and Genetics/Laboratory Corporation of America, LabCorp).

NM_001370658.1(BTD):c.623A>G (p.Asp208Gly)

Gene: BTD (biotinidase; plus strand). Cytogenetic location: 3p25.1.
Variant type: single nucleotide variant.
Coding change: c.623A>G on transcript NM_001370658.1 (MANE Select); coding-DNA position 623, A replaced by G.
Protein change: p.Asp208Gly; replaces aspartic acid 208 with glycine.
Molecular consequence: missense variant. On other transcripts: intron variant (1).
Genome position (GRCh38, 1-based): chr3:15,644,539, A>G. VCF-style: chr3-15644539-A-G. GRCh37 (hg19) VCF-style: chr3-15686046-A-G.
Other names: c.683A>G, p.Asp228Gly (NM_000060.4); c.623A>G, p.Asp208Gly (NM_001281723.4, NM_001281724.3, NM_001407377.1 and 18 more transcripts); c.399+2482A>G (NM_001370753.1); short protein forms D208G.
Identifiers: ClinVar variation 156002 (VCV000156002.4), dbSNP rs587783004, ClinGen allele CA278437.